The following is an entry in ClinVar:

ClinVar aggregate classification (germline): Uncertain significance (1 of 4 stars; one submission).

Conditions:
Emery-Dreifuss muscular dystrophy 5, autosomal dominant (EDMD5). Also called: EMERY-DREIFUSS MUSCULAR DYSTROPHY 5. Identifiers: Orphanet 261, MedGen C2751805, MONDO:0013072, OMIM 612999.

gnomAD v4.1: 5 of 1,614,096 alleles (0.00031%); highest among the groups gnomAD compares: African/African-American, 0.0027%; no homozygotes.

Submission:

Labcorp Genetics (formerly Invitae), Labcorp
Classification: Uncertain significance for Emery-Dreifuss muscular dystrophy 5, autosomal dominant. Last evaluated: 2024-08-05. Review status: criteria provided, single submitter. Criteria: Invitae Variant Classification Sherloc (09022015). Collection method: clinical testing. Allele origin: germline.
Comment: This sequence change replaces glutamic acid, which is acidic and polar, with lysine, which is basic and polar, at codon 2231 of the SYNE2 protein (p.Glu2231Lys). This variant is present in population databases (no rsID available, gnomAD 0.007%). This variant has not been reported in the literature in individuals affected with SYNE2-related conditions. An algorithm developed to predict the effect of missense changes on protein structure and function (PolyPhen-2) suggests that this variant is likely to be disruptive. In summary, the available evidence is currently insufficient to determine the role of this variant in disease. Therefore, it has been classified as a Variant of Uncertain Significance.

NM_182914.3(SYNE2):c.6691G>A (p.Glu2231Lys)

Gene: SYNE2 (spectrin repeat containing nuclear envelope protein 2; plus strand). Cytogenetic location: 14q23.2.
Variant type: single nucleotide variant.
Coding change: c.6691G>A on transcript NM_182914.3 (MANE Select); coding-DNA position 6691, G replaced by A.
Protein change: p.Glu2231Lys; replaces glutamic acid 2231 with lysine.
Molecular consequence: missense variant.
Genome position (GRCh38, 1-based): chr14:64,027,770, G>A. VCF-style: chr14-64027770-G-A. GRCh37 (hg19) VCF-style: chr14-64494488-G-A.
Other names: c.6691G>A, p.Glu2231Lys (NM_015180.6); short protein forms E2231K.
Identifiers: ClinVar variation 3670293 (VCV003670293.2).